The following is an entry in ClinVar:

NM_004370.6(COL12A1):c.1644C>A (p.Ile548=)

Gene: COL12A1 (collagen type XII alpha 1 chain; minus strand). Cytogenetic location: 6q13.
Variant type: single nucleotide variant.
Coding change: c.1644C>A on transcript NM_004370.6 (MANE Select); coding-DNA position 1644, C replaced by A.
Protein change: p.Ile548=; no amino-acid change (isoleucine 548 retained).
Molecular consequence: synonymous variant. On other transcripts: intron variant (1).
Genome position (GRCh38, 1-based): chr6:75,183,297, G>T on the plus strand (C>A on the coding strand, the complement: COL12A1 is on the minus strand). VCF-style: chr6-75183297-G-T. GRCh37 (hg19) VCF-style: chr6-75893013-G-T.
Other names: p.Ile548=; c.73+19423C>A (NM_080645.3).
Identifiers: ClinVar variation 542505 (VCV000542505.18), dbSNP rs147111006, ClinGen allele CA3894164.
Genomic context (GRCh38, chr6:75,183,297, plus strand): 5'-ATCTGAATTCCTCAGTTTTATCGCAGGATCTCTGAAAGCATCTGATGATTTCCCATCCGT[G>T]ATAAGAATCATGACCTTTGGCACATTGCTTCTTGATCCCTTGCTAGGCACAAATATTTTC-3'
Protein context (NP_004361.3, residues 538-558): RSNVPKVMIL[Ile548=]TDGKSSDAFR

ClinVar aggregate classification (germline): Likely benign. Review status: criteria provided, multiple submitters, no conflicts (2 of 4 stars). 5 submissions from 5 submitters: Likely benign (4). 1 of the submissions does not count toward it. Last evaluated 2026-01-26.

Conditions:
Ullrich congenital muscular dystrophy 2 (UCMD2). Identifiers: Orphanet 75840, MedGen C4225314, MONDO:0014654, OMIM 616470.
Bethlem myopathy 2 (BTHLM2). Identifiers: Orphanet 536516, Orphanet 610, MedGen C4225313, MONDO:0034022, OMIM 616471.
COL12A1-related disorder. Also called: COL12A1-related condition.

Allele frequency attached by ClinVar (database versions not stated): ESP Exome Variant Server 0.00033; 1000 Genomes Project 0.00040; 1000 Genomes Project 30x 0.00031; gnomAD 0.00019; TOPMed 0.00020.
gnomAD v4.1: 520 of 1,614,180 alleles (0.032%); highest among the groups gnomAD compares: Non-Finnish European, 0.042%; no homozygotes.

Submissions (5):

Labcorp Genetics (formerly Invitae), Labcorp
Classification: Likely benign for Bethlem myopathy 2; Ullrich congenital muscular dystrophy 2. Last evaluated: 2026-01-26. Review status: criteria provided, single submitter. Criteria: Invitae Variant Classification Sherloc (09022015). Collection method: clinical testing. Allele origin: germline.

Mayo Clinic Laboratories, Mayo Clinic
Classification: Likely benign. Last evaluated: 2025-09-18. Review status: criteria provided, single submitter. Criteria: ACMG Guidelines, 2015. Collection method: clinical testing. Allele origin: germline. Observed: 3 variant alleles.
Comment: BS1, BP4, BP7

Women's Health and Genetics/Laboratory Corporation of America, LabCorp
Classification: Likely benign. Last evaluated: 2025-05-23. Review status: criteria provided, single submitter. Criteria: LabCorp Variant Classification Summary - May 2015. Collection method: clinical testing. Allele origin: germline.

GeneDx
Classification: Likely benign. Last evaluated: 2021-06-07. Review status: criteria provided, single submitter. Criteria: GeneDx Variant Classification Process June 2021. Collection method: clinical testing. Allele origin: germline. Affected: yes.

PreventionGenetics, part of Exact Sciences
Classification: Likely benign for COL12A1-related condition. Last evaluated: 2024-08-27. Review status: no assertion criteria provided. Collection method: clinical testing. Allele origin: germline. Not counted in ClinVar's aggregate classification.
Comment: This variant is classified as likely benign based on ACMG/AMP sequence variant interpretation guidelines (Richards et al. 2015 PMID: 25741868, with internal and published modifications).